The following is an entry in ClinVar:

ClinVar aggregate classification (germline): Likely pathogenic (1 of 4 stars; one submission).

Conditions:
Familial adenomatous polyposis 4 (FAP4). Also called: MSH3-related attenuated familial adenomatous polyposis. Identifiers: Orphanet 480536, MedGen C4310719, MONDO:0044300, OMIM 617100.

Submission:

Myriad Genetics, Inc.
Classification: Likely pathogenic for Familial adenomatous polyposis 4. Last evaluated: 2023-08-29. Review status: criteria provided, single submitter. Criteria: Myriad Autosomal Dominant, Autosomal Recessive and X-Linked Classification Criteria (2023). Collection method: clinical testing. Allele origin: unknown.
Comment: This variant is considered likely pathogenic. This variant occurs within a consensus splice junction and is predicted to result in abnormal mRNA splicing of either an out-of-frame exon or an in-frame exon necessary for protein stability and/or normal function.

NM_002439.5(MSH3):c.1173+1_1173+5del

Gene: MSH3 (mutS homolog 3; plus strand). Cytogenetic location: 5q14.1.
Variant type: Deletion.
Coding change: c.1173+1_1173+5del on transcript NM_002439.5 (MANE Select); the canonical splice donor site of the intron after coding-DNA position 1173 through 5 bases into the intron after coding-DNA position 1173, 5 bases deleted (GTAAG; older notation c.1173+1_1173+5delGTAAG).
Molecular consequence: splice donor variant.
Genome position (GRCh38, 1-based): chr5:80,675,129-80,675,133, GTAAG deleted; deleting any 5 consecutive bases within chr5:80,675,128-80,675,133 gives the same sequence; the c. name uses the placement nearest the transcript's 3' end. VCF-style (leftmost placement, unchanged base first): chr5-80675127-TGGTAA-T. GRCh37 (hg19) VCF-style: chr5-79970946-TGGTAA-T.
Identifiers: ClinVar variation 2673492 (VCV002673492.1), dbSNP rs2546724446, ClinGen allele CA2695198653.